The following is an entry in ClinVar:

NM_002769.5(PRSS1):c.318T>A (p.Asn106Lys)

Genes: PRSS1 (serine protease 1; plus strand), TRB (T cell receptor beta locus; plus strand). Cytogenetic location: 7q34.
Variant type: single nucleotide variant.
Coding change: c.318T>A on transcript NM_002769.5 (MANE Select); coding-DNA position 318, T replaced by A.
Protein change: p.Asn106Lys; replaces asparagine 106 with lysine.
Molecular consequence: missense variant. On other transcripts: non-coding transcript variant (4).
Genome position (GRCh38, 1-based): chr7:142,751,891, T>A. VCF-style: chr7-142751891-T-A. GRCh37 (hg19) VCF-style: chr7-142459742-T-A.
Other names: short protein forms N106K.
Identifiers: ClinVar variation 2625416 (VCV002625416.2), dbSNP rs1798768921, ClinGen allele CA369608790.

ClinVar aggregate classification (germline): Uncertain significance (1 of 4 stars; one submission).

Conditions:
Hereditary pancreatitis (PCTT). Also called: PRSS1-Related Hereditary Pancreatitis; Hereditary chronic pancreatitis. Identifiers: Orphanet 676, MedGen C0238339, MONDO:0008185, OMIM 167800.

Allele frequency attached by ClinVar (database versions not stated): gnomAD exomes below 0.00001.
gnomAD v4.1: 1 of 1,613,982 alleles (0.000062%); highest among the groups gnomAD compares: Non-Finnish European, 0.000085%; no homozygotes.

Submission:

Ambry Genetics
Classification: Uncertain significance for Hereditary pancreatitis. Last evaluated: 2023-09-05. Review status: criteria provided, single submitter. Criteria: Ambry Variant Classification Scheme 2023. Collection method: clinical testing. Allele origin: germline.
Comment: The p.N106K variant (also known as c.318T>A), located in coding exon 3 of the PRSS1 gene, results from a T to A substitution at nucleotide position 318. The asparagine at codon 106 is replaced by lysine, an amino acid with similar properties. This amino acid position is conserved. In addition, the in silico prediction for this alteration is inconclusive. Since supporting evidence is limited at this time, the clinical significance of this alteration remains unclear.